The following is an entry in ClinVar:

ClinVar aggregate classification (germline): Uncertain significance. Review status: criteria provided, multiple submitters, no conflicts (2 of 4 stars). 8 submissions from 8 submitters: Uncertain significance (8). Last evaluated 2025-12-30.

Conditions:
Gillespie syndrome (GLSP). Also called: Aniridia, cerebellar ataxia, and mental deficiency; Aniridia-cerebellar ataxia-intellectual disability syndrome. Identifiers: Orphanet 1065, MedGen C0431401, MONDO:0008795, OMIM 206700.

Allele frequency attached by ClinVar (database versions not stated): gnomAD 0.00001; TOPMed 0.00001; gnomAD exomes 0.00002 and 0.00003; ExAC 0.00003.
gnomAD v4.1: 42 of 1,605,010 alleles (0.0026%); highest among the groups gnomAD compares: Middle Eastern, 0.21%; no homozygotes.

Submissions (8):

Labcorp Genetics (formerly Invitae), Labcorp
Classification: Uncertain significance. Last evaluated: 2025-12-30. Review status: criteria provided, single submitter. Criteria: Invitae Variant Classification Sherloc (09022015). Collection method: clinical testing. Allele origin: germline.
Comment: This sequence change replaces isoleucine, which is neutral and non-polar, with asparagine, which is neutral and polar, at codon 1253 of the ITPR1 protein (p.Ile1253Asn). This variant is present in population databases (rs773030719, gnomAD 0.009%). This missense change has been observed in individual(s) with autosomal dominant ITPR1-related conditions (PMID: 27391121, 29482223). This variant is also known as c.3785T>A (p.I1262N). ClinVar contains an entry for this variant (Variation ID: 447586). An algorithm developed to predict the effect of missense changes on protein structure and function (PolyPhen-2) suggests that this variant is likely to be disruptive. In summary, the available evidence is currently insufficient to determine the role of this variant in disease. Therefore, it has been classified as a Variant of Uncertain Significance.

Blueprint Genetics
Classification: Uncertain significance. Last evaluated: 2024-10-15. Review status: criteria provided, single submitter. Criteria: ACMG Guidelines, 2015. Collection method: clinical testing. Allele origin: germline.

GeneDx
Classification: Uncertain significance. Last evaluated: 2024-08-27. Review status: criteria provided, single submitter. Criteria: GeneDx Variant Classification Process June 2021. Collection method: clinical testing. Allele origin: germline. Affected: yes.
Comment: In silico analysis supports that this missense variant has a deleterious effect on protein structure/function; Also denoted as p.I1262N due to alternative nomenclature; This variant is associated with the following publications: (PMID: 29482223, 27391121)

Clinical Genetics Laboratory, Skane University Hospital Lund
Classification: Uncertain significance. Last evaluated: 2022-07-13. Review status: criteria provided, single submitter. Criteria: ACMG Guidelines, 2015. Collection method: clinical testing. Allele origin: germline. Affected: yes.

Revvity Omics, Revvity
Classification: Uncertain significance. Last evaluated: 2021-04-08. Review status: criteria provided, single submitter. Criteria: ACMG Guidelines, 2015. Collection method: clinical testing. Allele origin: germline.

Baylor Genetics
Classification: Uncertain significance for Gillespie syndrome. Last evaluated: 2020-07-29. Review status: criteria provided, single submitter. Criteria: ACMG Guidelines, 2015. Collection method: clinical testing. Allele origin: unknown. Affected: yes.
Comment: This variant was determined to be of uncertain significance according to ACMG Guidelines, 2015 [PMID:25741868].

Athena Diagnostics
Classification: Uncertain significance. Last evaluated: 2016-09-09. Review status: criteria provided, single submitter. Criteria: Athena Diagnostics Criteria. Collection method: clinical testing. Allele origin: germline.

Breakthrough Genomics
Classification: Uncertain significance. Review status: criteria provided, single submitter. Criteria: ACMG Guidelines, 2015. Collection method: not provided. Allele origin: germline. Inheritance: Autosomal recessive inheritance. Affected: yes.

Literature cited by the submitters: PubMed 27391121 (cited by Labcorp Genetics (formerly Invitae), Labcorp); PubMed 29482223 (cited by Labcorp Genetics (formerly Invitae), Labcorp).

NM_001378452.1(ITPR1):c.3830T>A (p.Ile1277Asn)

Gene: ITPR1 (inositol 1,4,5-trisphosphate receptor type 1; plus strand). Cytogenetic location: 3p26.1.
Variant type: single nucleotide variant.
Coding change: c.3830T>A on transcript NM_001378452.1 (MANE Select); coding-DNA position 3830, T replaced by A.
Protein change: p.Ile1277Asn; replaces isoleucine 1277 with asparagine.
Molecular consequence: missense variant.
Genome position (GRCh38, 1-based): chr3:4,691,145, T>A. VCF-style: chr3-4691145-T-A. GRCh37 (hg19) VCF-style: chr3-4732829-T-A.
Other names: c.3803T>A, p.Ile1268Asn (NM_001099952.4); c.3785T>A, p.Ile1262Asn (NM_001168272.2); c.3758T>A, p.Ile1253Asn (NM_002222.7); c.3758T>A (NM_002222.6); short protein forms I1262N, I1268N, I1253N, I1277N.
Identifiers: ClinVar variation 447586 (VCV000447586.18), dbSNP rs773030719, ClinGen allele CA2231827.